The following is an entry in ClinVar:

ClinVar aggregate classification (germline): Likely benign (1 of 4 stars; one submission).

gnomAD v4.1: 73 of 1,439,950 alleles (0.0051%); highest among the groups gnomAD compares: Middle Eastern, 0.019%; no homozygotes.

Submission:

CeGaT Center for Human Genetics Tuebingen
Classification: Likely benign. Last evaluated: 2025-05-01. Review status: criteria provided, single submitter. Criteria: CeGaT Center For Human Genetics Tuebingen Variant Classification Criteria Version 2. Collection method: clinical testing. Allele origin: germline. Affected: yes. Observed: 1 variant allele.
Comment: FNTB: BP4, BP7

NM_002028.4(FNTB):c.1041G>A (p.Ala347=)

Genes: CHURC1-FNTB (CHURC1-FNTB readthrough; plus strand), FNTB (farnesyltransferase, CAAX box, subunit beta; plus strand), MAX (MYC associated transcriptional regulator X; minus strand). Cytogenetic location: 14q23.3.
Variant type: single nucleotide variant.
Coding change: c.1041G>A on transcript NM_002028.4 (MANE Select); coding-DNA position 1041, G replaced by A.
Protein change: p.Ala347=; no amino-acid change (alanine 347 retained).
Molecular consequence: synonymous variant. On other transcripts: intron variant (2).
Genome position (GRCh38, 1-based): chr14:65,053,323, G>A. VCF-style: chr14-65053323-G-A. GRCh37 (hg19) VCF-style: chr14-65520041-G-A.
Other names: c.903G>A, p.Ala301= (NM_001202558.2); c.1224G>A, p.Ala408= (NM_001202559.1); c.144+40385C>T (NM_001271069.2); c.171+40385C>T (NM_197957.4).
Identifiers: ClinVar variation 3904890 (VCV003904890.10).